The following is an entry in ClinVar:

ClinVar aggregate classification (germline): Uncertain significance (1 of 4 stars; one submission).

Submission:

GeneDx
Classification: Uncertain significance. Last evaluated: 2025-01-30. Review status: criteria provided, single submitter. Criteria: GeneDx Variant Classification Process June 2021. Collection method: clinical testing. Allele origin: germline. Affected: yes.
Comment: Not observed at significant frequency in large population cohorts (gnomAD); In silico analysis supports that this missense variant has a deleterious effect on protein structure/function; Has not been previously published as pathogenic or benign to our knowledge

NM_006922.4(SCN3A):c.4108G>A (p.Gly1370Ser)

Gene: SCN3A (sodium voltage-gated channel alpha subunit 3; minus strand). Cytogenetic location: 2q24.3.
Variant type: single nucleotide variant.
Coding change: c.4108G>A on transcript NM_006922.4 (MANE Select); coding-DNA position 4108, G replaced by A.
Protein change: p.Gly1370Ser; replaces glycine 1370 with serine.
Molecular consequence: missense variant.
Genome position (GRCh38, 1-based): chr2:165,097,383, C>T on the plus strand (G>A on the coding strand, the complement: SCN3A is on the minus strand). VCF-style: chr2-165097383-C-T. GRCh37 (hg19) VCF-style: chr2-165953893-C-T.
Other names: c.3961G>A, p.Gly1321Ser (NM_001081676.2, NM_001081677.2); short protein forms G1321S, G1370S.
Identifiers: ClinVar variation 4072566 (VCV004072566.1).